The following is an entry in ClinVar:

ClinVar aggregate classification (germline): Uncertain significance (1 of 4 stars; one submission).

Submission:

GeneDx
Classification: Uncertain significance. Last evaluated: 2017-04-21. Review status: criteria provided, single submitter. Criteria: GeneDx Variant Classification (06012015). Collection method: clinical testing. Allele origin: germline. Affected: yes.
Comment: The Thr534Ile variant in the LMNA gene has not been reported previously as a disease-causing mutation nor as a benign polymorphism, to our knowledge. Thr534Ile results in a non-conservative amino acid substitution of a neutral, polar Threonine with a non-polar Isoleucine at a residue that is not uniformly conserved across species. A mutation in a nearby codon (Leu530Pro) has been reported in association with muscular dystrophy. However, a different missense change at the same codon (Thr534Ser) has been reported in 1/1,801 alleles from Caucasian individuals with an unknown phenotype (NHLBI Exome Sequencing Project). In addition, no data from ethnically-matched controls were available to assess if Thr534Ile may be a benign variant in the general population. In summary, with the information available at this time, we cannot unequivocally determine whether the Thr534Ile variant is a disease-causing mutation or a benign variant. The variant is found in DCM panel(s).

NM_170707.4(LMNA):c.1601C>T (p.Thr534Ile)

Gene: LMNA (lamin A/C; plus strand). Cytogenetic location: 1q22.
Variant type: single nucleotide variant.
Coding change: c.1601C>T on transcript NM_170707.4 (MANE Select); coding-DNA position 1601, C replaced by T.
Protein change: p.Thr534Ile; replaces threonine 534 with isoleucine.
Molecular consequence: missense variant.
Genome position (GRCh38, 1-based): chr1:156,137,225, C>T. VCF-style: chr1-156137225-C-T. GRCh37 (hg19) VCF-style: chr1-156107016-C-T.
Other names: p.T534I:ACT>ATT; c.1265C>T, p.Thr422Ile (NM_001257374.3); c.1358C>T, p.Thr453Ile (NM_001282624.2); c.1601C>T, p.Thr534Ile (NM_001282625.2, NM_001282626.2, NM_005572.4 and 1 more transcripts); short protein forms T534I, T422I, T453I.
Identifiers: ClinVar variation 200966 (VCV000200966.2), dbSNP rs144740174, ClinGen allele CA017552.